The following is an entry in ClinVar:

NM_020975.6(RET):c.3157C>T (p.Pro1053Ser)

Gene: RET (ret proto-oncogene; plus strand). Cytogenetic location: 10q11.21.
Variant type: single nucleotide variant.
Coding change: c.3157C>T on transcript NM_020975.6 (MANE Select); coding-DNA position 3157, C replaced by T.
Protein change: p.Pro1053Ser; replaces proline 1053 with serine.
Molecular consequence: missense variant. On other transcripts: intron variant (4).
Genome position (GRCh38, 1-based): chr10:43,126,692, C>T. VCF-style: chr10-43126692-C-T. GRCh37 (hg19) VCF-style: chr10-43622140-C-T.
Other names: c.3157C>T, p.Pro1053Ser (NM_000323.2, NM_020629.2, NM_020630.7 and 2 more transcripts); c.2395C>T, p.Pro799Ser (NM_001355216.2); c.2761C>T, p.Pro921Ser (NM_001406769.1, NM_001406772.1); c.2869C>T, p.Pro957Ser (NM_001406770.1, NM_001406766.1, NM_001406767.1); c.2719C>T, p.Pro907Ser (NM_001406771.1, NM_001406773.1); c.2632C>T, p.Pro878Ser (NM_001406774.1); c.2431C>T, p.Pro811Ser (NM_001406775.1, NM_001406776.1, NM_001406778.1); c.1972C>T, p.Pro658Ser (NM_001406789.1, NM_001406790.1, NM_001406788.1); and 13 more; short protein forms P957S, P965S, P1008S, P1010S, P754S, P811S, P907S, P921S.
Identifiers: ClinVar variation 2807353 (VCV002807353.3), dbSNP rs754066766, ClinGen allele CA376558504.

ClinVar aggregate classification (germline): Uncertain significance (1 of 4 stars; one submission).

Conditions:
Multiple endocrine neoplasia, type 2 (MEN2). Identifiers: Orphanet 653, MedGen C4048306, MONDO:0019003. Disease mechanism: gain of function.

Submission:

Labcorp Genetics (formerly Invitae), Labcorp
Classification: Uncertain significance for Multiple endocrine neoplasia, type 2. Last evaluated: 2023-04-18. Review status: criteria provided, single submitter. Criteria: Invitae Variant Classification Sherloc (09022015). Collection method: clinical testing. Allele origin: germline.
Comment: An algorithm developed to predict the effect of missense changes on protein structure and function (PolyPhen-2) suggests that this variant is likely to be disruptive. In summary, the available evidence is currently insufficient to determine the role of this variant in disease. Therefore, it has been classified as a Variant of Uncertain Significance. This variant has not been reported in the literature in individuals affected with RET-related conditions. This variant is not present in population databases (gnomAD no frequency). This sequence change replaces proline, which is neutral and non-polar, with serine, which is neutral and polar, at codon 1053 of the RET protein (p.Pro1053Ser).